The following is an entry in ClinVar:

ClinVar aggregate classification (germline): Uncertain significance (1 of 4 stars; one submission).

Conditions:
Early-infantile DEE. Also called: Early infantile epileptic encephalopathy; Early infantile epileptic encephalopathy with suppression bursts; Ohtahara syndrome. Identifiers: Orphanet 1934, MedGen C0393706, MONDO:0800491.

Allele frequency attached by ClinVar (database versions not stated): gnomAD exomes below 0.00001.
gnomAD v4.1: 3 of 1,613,892 alleles (0.00019%); highest among the groups gnomAD compares: Non-Finnish European, 0.00025%; no homozygotes.

Submission:

Labcorp Genetics (formerly Invitae), Labcorp
Classification: Uncertain significance for Early-infantile DEE. Last evaluated: 2022-10-19. Review status: criteria provided, single submitter. Criteria: Invitae Variant Classification Sherloc (09022015). Collection method: clinical testing. Allele origin: germline.
Comment: In summary, the available evidence is currently insufficient to determine the role of this variant in disease. Therefore, it has been classified as a Variant of Uncertain Significance. Advanced modeling of protein sequence and biophysical properties (such as structural, functional, and spatial information, amino acid conservation, physicochemical variation, residue mobility, and thermodynamic stability) performed at Invitae indicates that this missense variant is expected to disrupt KCNH5 protein function. This variant has not been reported in the literature in individuals affected with KCNH5-related conditions. This variant is not present in population databases (gnomAD no frequency). This sequence change replaces glycine, which is neutral and non-polar, with arginine, which is basic and polar, at codon 371 of the KCNH5 protein (p.Gly371Arg).

NM_139318.5(KCNH5):c.1111G>A (p.Gly371Arg)

Gene: KCNH5 (potassium voltage-gated channel subfamily H member 5; minus strand). Cytogenetic location: 14q23.2.
Variant type: single nucleotide variant.
Coding change: c.1111G>A on transcript NM_139318.5 (MANE Select); coding-DNA position 1111, G replaced by A.
Protein change: p.Gly371Arg; replaces glycine 371 with arginine.
Molecular consequence: missense variant.
Genome position (GRCh38, 1-based): chr14:62,950,391, C>T on the plus strand (G>A on the coding strand, the complement: KCNH5 is on the minus strand). VCF-style: chr14-62950391-C-T. GRCh37 (hg19) VCF-style: chr14-63417109-C-T.
Other names: c.1111G>A, p.Gly371Arg (NM_172375.3); short protein forms G371R.
Identifiers: ClinVar variation 2420771 (VCV002420771.6), dbSNP rs2503005126, ClinGen allele CA390103246.